The following is an entry in ClinVar:

ClinVar aggregate classification (germline): Uncertain significance (1 of 4 stars; one submission).

Conditions:
Intellectual developmental disorder, autosomal dominant 67 (MRD67). Also called: MENTAL RETARDATION, AUTOSOMAL DOMINANT 67. Identifiers: MedGen C5677006, MONDO:0030964, OMIM 619927.

Submission:

3billion
Classification: Uncertain significance for Intellectual developmental disorder, autosomal dominant 67. Last evaluated: 2024-11-19. Review status: criteria provided, single submitter. Criteria: ACMG Guidelines, 2015. Collection method: clinical testing. Allele origin: germline. Affected: yes.
Comment: The variant is not observed in the gnomAD v4.1.0 dataset. Predicted Consequence/Location: Missense variant In silico tool predictions suggest damaging effect of the variant on gene or gene product [3Cnet: 0.96 (>=0.6, sensitivity 0.72 and precision 0.9)]. Therefore, this variant is classified as VUS according to the recommendation of ACMG/AMP guideline.

NM_000827.4(GRIA1):c.2626G>A (p.Gly876Ser)

Gene: GRIA1 (glutamate ionotropic receptor AMPA type subunit 1; plus strand). Cytogenetic location: 5q33.2.
Variant type: single nucleotide variant.
Coding change: c.2626G>A on transcript NM_000827.4 (MANE Select); coding-DNA position 2626, G replaced by A.
Protein change: p.Gly876Ser; replaces glycine 876 with serine.
Molecular consequence: missense variant. On other transcripts: non-coding transcript variant (2).
Genome position (GRCh38, 1-based): chr5:153,811,130, G>A. VCF-style: chr5-153811130-G-A. GRCh37 (hg19) VCF-style: chr5-153190690-G-A.
Other names: c.2626G>A, p.Gly876Ser (NM_001114183.2); c.2386G>A, p.Gly796Ser (NM_001258019.2); c.2341G>A, p.Gly781Ser (NM_001258020.2); c.2656G>A, p.Gly886Ser (NM_001258021.2, NM_001258022.2); c.2419G>A, p.Gly807Ser (NM_001258023.1, NM_001364167.2); c.2458G>A, p.Gly820Ser (NM_001364165.2); c.2653G>A, p.Gly885Ser (NM_001364166.2); short protein forms G781S, G796S, G807S, G820S, G876S, G885S, G886S.
Identifiers: ClinVar variation 4293334 (VCV004293334.1).